The following is an entry in ClinVar:

NM_000088.4(COL1A1):c.1511C>T (p.Pro504Leu)

Gene: COL1A1 (collagen type I alpha 1 chain; minus strand). Cytogenetic location: 17q21.33.
Variant type: single nucleotide variant.
Coding change: c.1511C>T on transcript NM_000088.4 (MANE Select); coding-DNA position 1511, C replaced by T.
Protein change: p.Pro504Leu; replaces proline 504 with leucine.
Molecular consequence: missense variant.
Genome position (GRCh38, 1-based): chr17:50,194,577, G>A on the plus strand (C>T on the coding strand, the complement: COL1A1 is on the minus strand). VCF-style: chr17-50194577-G-A. GRCh37 (hg19) VCF-style: chr17-48271938-G-A.
Other names: short protein forms P504L.
Identifiers: ClinVar variation 2874468 (VCV002874468.3), dbSNP rs2509220495, ClinGen allele CA400217221.

ClinVar aggregate classification (germline): Uncertain significance (1 of 4 stars; one submission).

Conditions:
Osteogenesis imperfecta type I (OI1). Also called: Lobstein disease; Classic Non-deforming Osteogenesis Imperfecta with Blue Sclerae; OI, TYPE I; OSTEOGENESIS IMPERFECTA TARDA; OSTEOGENESIS IMPERFECTA WITH BLUE SCLERAE; Osteogenesis imperfecta type 1. Identifiers: Orphanet 216796, Orphanet 666, MedGen C0023931, MONDO:0008146, OMIM 166200. Disease mechanism: loss of function.

Allele frequency attached by ClinVar (database versions not stated): gnomAD exomes below 0.00001.
gnomAD v4.1: 1 of 1,586,706 alleles (0.000063%); highest among the groups gnomAD compares: Non-Finnish European, 0.000086%; no homozygotes.

Submission:

Labcorp Genetics (formerly Invitae), Labcorp
Classification: Uncertain significance for Osteogenesis imperfecta type I. Last evaluated: 2023-04-29. Review status: criteria provided, single submitter. Criteria: Invitae Variant Classification Sherloc (09022015). Collection method: clinical testing. Allele origin: germline.
Comment: In summary, the available evidence is currently insufficient to determine the role of this variant in disease. Therefore, it has been classified as a Variant of Uncertain Significance. Advanced modeling of protein sequence and biophysical properties (such as structural, functional, and spatial information, amino acid conservation, physicochemical variation, residue mobility, and thermodynamic stability) has been performed at Invitae for this missense variant, however the output from this modeling did not meet the statistical confidence thresholds required to predict the impact of this variant on COL1A1 protein function. This variant has not been reported in the literature in individuals affected with COL1A1-related conditions. This variant is not present in population databases (gnomAD no frequency). This sequence change replaces proline, which is neutral and non-polar, with leucine, which is neutral and non-polar, at codon 504 of the COL1A1 protein (p.Pro504Leu).